The following is an entry in ClinVar:

ClinVar aggregate classification (germline): Likely pathogenic. Review status: reviewed by expert panel (3 of 4 stars). 7 submissions from 7 submitters: Likely pathogenic (1). 6 of the submissions do not count toward it. Last evaluated 2019-05-04.

Conditions:
Phenylketonuria (PKU). Also called: Phenylketonuria (PKU); FOLLING DISEASE; OLIGOPHRENIA PHENYLPYRUVICA; Phenylketonurias. Identifiers: Orphanet 716, MedGen C0031485, MONDO:0009861, OMIM 261600. Disease mechanism: loss of function.

Allele frequency attached by ClinVar (database versions not stated): gnomAD exomes below 0.00001.
gnomAD v4.1: 2 of 1,614,046 alleles (0.00012%); highest among the groups gnomAD compares: Middle Eastern, 0.017%; no homozygotes.

Submissions (7):

ClinGen PAH Variant Curation Expert Panel
Classification: Likely pathogenic for Phenylketonuria. Last evaluated: 2019-05-04. Review status: reviewed by expert panel. Criteria: ClinGen PAH ACMG Specifications v1. Collection method: curation. Allele origin: germline. Inheritance: Autosomal recessive inheritance.
Comment: The c.591G>C (p.Leu197Phe) variant in PAH has been reported in 3 individuals with classic PKU (BH4 deficiency excluded). (PP4_Moderate; PMID: 18299955). This variant is absent in population databases (PM2). This variant was detected with a pathogenic variant (c.168+1G>A) and twice in the homozygous state (PM3). Multiple lines of computational evidence support a deleterious effect (SIFT, PolyPhen2, MutationTaster, REVEL=0.82). In summary, this variant meets criteria to be classified as likely pathogenic for PAH. PAH-specific ACMG/AMP criteria applied: PP4_Moderate, PM2, PM3, PP3.

GeneDx
Classification: Likely pathogenic. Last evaluated: 2025-03-05. Review status: criteria provided, single submitter. Criteria: GeneDx Variant Classification Process June 2021. Collection method: clinical testing. Allele origin: germline. Affected: yes. Not counted in ClinVar's aggregate classification.
Comment: Not observed at significant frequency in large population cohorts (gnomAD); In silico analysis supports that this missense variant has a deleterious effect on protein structure/function; This variant is associated with the following publications: (PMID: 34426522, 18294361, 31130284, 32668217, 18299955, 32905092)

3billion
Classification: Likely pathogenic for Phenylketonuria. Last evaluated: 2025-02-03. Review status: criteria provided, single submitter. Criteria: ACMG Guidelines, 2015. Collection method: clinical testing. Allele origin: germline. Affected: yes. Not counted in ClinVar's aggregate classification.
Comment: The variant is observed at an extremely low frequency in the gnomAD v4.1.0 dataset (total allele frequency: <0.001%). Predicted Consequence/Location: Missense variant In silico tool predictions suggest damaging effect of the variant on gene or gene product [REVEL: 0.82 (>=0.6, sensitivity 0.68 and specificity 0.92); 3Cnet: 0.99 (>=0.6, sensitivity 0.72 and precision 0.9)]. The same nucleotide change resulting in the same amino acid change has been previously reported as pathogenic/likely pathogenic with strong evidence (ClinVar ID: VCV000120280 /PMID: 18299955). Therefore, this variant is classified as Likely pathogenic according to the recommendation of ACMG/AMP guideline.

Labcorp Genetics (formerly Invitae), Labcorp
Classification: Pathogenic for Phenylketonuria. Last evaluated: 2024-08-29. Review status: criteria provided, single submitter. Criteria: Invitae Variant Classification Sherloc (09022015). Collection method: clinical testing. Allele origin: germline. Not counted in ClinVar's aggregate classification.
Comment: This sequence change replaces leucine, which is neutral and non-polar, with phenylalanine, which is neutral and non-polar, at codon 197 of the PAH protein (p.Leu197Phe). This variant is not present in population databases (gnomAD no frequency). This missense change has been observed in individual(s) with phenylketonuria (PMID: 18299955, 32905092). ClinVar contains an entry for this variant (Variation ID: 120280). Invitae Evidence Modeling of protein sequence and biophysical properties (such as structural, functional, and spatial information, amino acid conservation, physicochemical variation, residue mobility, and thermodynamic stability) indicates that this missense variant is not expected to disrupt PAH protein function with a negative predictive value of 80%. For these reasons, this variant has been classified as Pathogenic.

Genomic Medicine Center of Excellence, King Faisal Specialist Hospital and Research Centre
Classification: Pathogenic for Phenylketonuria. Last evaluated: 2024-03-17. Review status: criteria provided, single submitter. Criteria: ACMG Guidelines, 2015. Collection method: research. Allele origin: germline. Not counted in ClinVar's aggregate classification.

Baylor Genetics
Classification: Pathogenic for Phenylketonuria. Last evaluated: 2023-01-01. Review status: criteria provided, single submitter. Criteria: ACMG Guidelines, 2015. Collection method: clinical testing. Allele origin: unknown. Not counted in ClinVar's aggregate classification.

Inserm U 954, Faculté de Médecine de Nancy
Classification: Likely pathogenic for Phenylketonuria. Review status: no assertion criteria provided. Collection method: not provided. Allele origin: unknown. Not counted in ClinVar's aggregate classification.
ClinVar note: Converted during submission from probable-pathogenic to Likely pathogenic.

Literature cited by the submitters: PubMed 18299955 (cited by 3 submitters); PubMed 32905092 (cited by Labcorp Genetics (formerly Invitae), Labcorp).

NM_000277.3(PAH):c.591G>C (p.Leu197Phe)

Gene: PAH (phenylalanine hydroxylase; minus strand). Cytogenetic location: 12q23.2.
Variant type: single nucleotide variant.
Coding change: c.591G>C on transcript NM_000277.3 (MANE Select); coding-DNA position 591, G replaced by C.
Protein change: p.Leu197Phe; replaces leucine 197 with phenylalanine.
Molecular consequence: missense variant.
Genome position (GRCh38, 1-based): chr12:102,855,251, C>G on the plus strand (G>C on the coding strand, the complement: PAH is on the minus strand). VCF-style: chr12-102855251-C-G. GRCh37 (hg19) VCF-style: chr12-103249029-C-G.
Other names: c.591G>C, p.Leu197Phe (NM_001354304.2); short protein forms L197F.
Identifiers: ClinVar variation 120280 (VCV000120280.10), dbSNP rs281865442, ClinGen allele CA267662.